The following is an entry in ClinVar:

NM_001395891.1(CLASP1):c.196-544G>A

Genes: CLASP1-AS1 (CLASP1 antisense RNA 1; plus strand), CLASP1 (cytoplasmic linker associated protein 1; minus strand), RNU4ATAC (RNA, U4atac small nuclear; plus strand). Cytogenetic location: 2q14.2.
Variant type: single nucleotide variant.
Coding change: c.196-544G>A on transcript NM_001395891.1 (MANE Select); 544 bases into the intron before coding-DNA position 196, G replaced by A.
Molecular consequence: intron variant.
Genome position (GRCh38, 1-based): chr2:121,530,869, C>T on the plus strand (G>A on the coding strand, the complement: CLASP1 is on the minus strand). VCF-style: chr2-121530869-C-T. GRCh37 (hg19) VCF-style: chr2-122288445-C-T.
Other names: c.196-544G>A (NM_001142274.2, NM_015282.3, NM_001378003.1 and 5 more transcripts).
Identifiers: ClinVar variation 1274763 (VCV001274763.5), dbSNP rs74790826, ClinGen allele CA1854661.

ClinVar aggregate classification (germline): Benign. Review status: criteria provided, multiple submitters, no conflicts (2 of 4 stars). 4 submissions from 3 submitters: Benign (3). 1 of the submissions does not count toward it. Last evaluated 2019-03-20.

Conditions:
CLASP1-related disorder. Also called: CLASP1-related condition.
RNU4ATAC-related disorder. Also called: RNU4ATAC-related condition.

Allele frequency attached by ClinVar (database versions not stated): ExAC 0.05232; 1000 Genomes Project 30x 0.05481; 1000 Genomes Project 0.05691.
gnomAD v4.1: 30,620 of 678,710 alleles (4.5%); highest among the groups gnomAD compares: East Asian, 12%; 903 homozygotes.

Submissions (4):

PreventionGenetics, part of Exact Sciences
Classification: Benign for CLASP1-related condition. Last evaluated: 2019-03-20. Review status: criteria provided, single submitter. Criteria: ACMG Guidelines, 2015. Collection method: clinical testing. Allele origin: germline.
Comment: This variant is classified as benign based on ACMG/AMP sequence variant interpretation guidelines (Richards et al. 2015 PMID: 25741868, with internal and published modifications).

GeneDx
Classification: Benign. Last evaluated: 2018-07-10. Review status: criteria provided, single submitter. Criteria: GeneDx Variant Classification Process June 2021. Collection method: clinical testing. Allele origin: germline. Affected: yes.

Breakthrough Genomics
Classification: Benign. Review status: criteria provided, single submitter. Criteria: ACMG Guidelines, 2015. Collection method: not provided. Allele origin: germline. Inheritance: Unknown mechanism. Affected: yes.

PreventionGenetics, part of Exact Sciences
Classification: Benign for RNU4ATAC-related condition. Last evaluated: 2019-03-20. Review status: no assertion criteria provided. Collection method: clinical testing. Allele origin: germline. Not counted in ClinVar's aggregate classification.
Comment: the same text as in the submission from PreventionGenetics, part of Exact Sciences above.